The following is an entry in ClinVar:

ClinVar aggregate classification (germline): Uncertain significance (1 of 4 stars; one submission).

Allele frequency attached by ClinVar (database versions not stated): gnomAD exomes 0.00001; TOPMed 0.00001; gnomAD 0.00002.

Submission:

Labcorp Genetics (formerly Invitae), Labcorp
Classification: Uncertain significance. Last evaluated: 2022-01-13. Review status: criteria provided, single submitter. Criteria: Invitae Variant Classification Sherloc (09022015). Collection method: clinical testing. Allele origin: germline.
Comment: In summary, the available evidence is currently insufficient to determine the role of this variant in disease. Therefore, it has been classified as a Variant of Uncertain Significance. Algorithms developed to predict the effect of missense changes on protein structure and function (SIFT, PolyPhen-2, Align-GVGD) all suggest that this variant is likely to be tolerated. This variant has not been reported in the literature in individuals affected with LONP1-related conditions. This variant is present in population databases (no rsID available, gnomAD 0.006%). This sequence change replaces glutamic acid, which is acidic and polar, with lysine, which is basic and polar, at codon 418 of the LONP1 protein (p.Glu418Lys).

NM_004793.4(LONP1):c.1252G>A (p.Glu418Lys)

Gene: LONP1 (lon peptidase 1, mitochondrial; minus strand). Cytogenetic location: 19p13.3.
Variant type: single nucleotide variant.
Coding change: c.1252G>A on transcript NM_004793.4 (MANE Select); coding-DNA position 1252, G replaced by A.
Protein change: p.Glu418Lys; replaces glutamic acid 418 with lysine.
Molecular consequence: missense variant. On other transcripts: non-coding transcript variant (1).
Genome position (GRCh38, 1-based): chr19:5,705,887, C>T on the plus strand (G>A on the coding strand, the complement: LONP1 is on the minus strand). VCF-style: chr19-5705887-C-T. GRCh37 (hg19) VCF-style: chr19-5705898-C-T.
Other names: c.1060G>A, p.Glu354Lys (NM_001276479.2); c.664G>A, p.Glu222Lys (NM_001276480.1); short protein forms E354K, E418K, E222K.
Identifiers: ClinVar variation 1477967 (VCV001477967.8), dbSNP rs1316190099, ClinGen allele CA403533521.